The following is an entry in ClinVar:

ClinVar aggregate classification (germline): Benign/Likely benign. Review status: criteria provided, multiple submitters, no conflicts (2 of 4 stars). 2 submissions from 2 submitters: Benign (1); Likely benign (1). Last evaluated 2025-12-25.

Allele frequency attached by ClinVar (database versions not stated): gnomAD 0.00003 and 0.00058; TOPMed 0.00009; gnomAD exomes 0.00091 and 0.00183; ExAC 0.00269; 1000 Genomes Project 30x 0.00375; 1000 Genomes Project 0.00419.
gnomAD v4.1: 1,412 of 1,596,870 alleles (0.088%); highest among the groups gnomAD compares: South Asian, 1.5%; 26 homozygotes.

Submissions (2):

Labcorp Genetics (formerly Invitae), Labcorp
Classification: Benign. Last evaluated: 2025-12-25. Review status: criteria provided, single submitter. Criteria: Invitae Variant Classification Sherloc (09022015). Collection method: clinical testing. Allele origin: germline.

GeneDx
Classification: Likely benign. Last evaluated: 2022-04-27. Review status: criteria provided, single submitter. Criteria: GeneDx Variant Classification Process June 2021. Collection method: clinical testing. Allele origin: germline. Affected: yes.
Comment: See Variant Classification Assertion Criteria.

NM_018896.5(CACNA1G):c.6951G>A (p.Glu2317=)

Gene: CACNA1G (calcium voltage-gated channel subunit alpha1 G; plus strand). Cytogenetic location: 17q21.33.
Variant type: single nucleotide variant.
Coding change: c.6951G>A on transcript NM_018896.5 (MANE Select); coding-DNA position 6951, G replaced by A.
Protein change: p.Glu2317=; no amino-acid change (glutamic acid 2317 retained).
Molecular consequence: synonymous variant. On other transcripts: non-coding transcript variant (5).
Genome position (GRCh38, 1-based): chr17:50,626,568, G>A. VCF-style: chr17-50626568-G-A. GRCh37 (hg19) VCF-style: chr17-48703929-G-A.
Other names: c.6762G>A, p.Glu2254= (NM_001256324.2); c.6693G>A, p.Glu2231= (NM_001256325.2); c.6681G>A, p.Glu2227= (NM_001256326.2); c.6651G>A, p.Glu2217= (NM_001256327.2); c.6597G>A, p.Glu2199= (NM_001256328.2); c.6570G>A, p.Glu2190= (NM_001256329.2, NM_198387.3); c.6537G>A, p.Glu2179= (NM_001256330.2); c.6516G>A, p.Glu2172= (NM_001256331.2); and 18 more.
Identifiers: ClinVar variation 741928 (VCV000741928.11), dbSNP rs544050662, ClinGen allele CA8653768.